The following is an entry in ClinVar:

ClinVar aggregate classification (germline): Benign/Likely benign. Review status: criteria provided, multiple submitters, no conflicts (2 of 4 stars). 2 submissions from 2 submitters: Benign (1); Likely benign (1). Last evaluated 2024-10-30.

Conditions:
Prostate cancer, hereditary, 9 (HPC9). Identifiers: Orphanet 1331, MedGen C1970250, MONDO:0012597, OMIM 610997.
Hereditary cancer-predisposing syndrome. Also called: Hereditary Cancer Syndrome; Neoplastic Syndromes, Hereditary; Tumor predisposition; Hereditary neoplastic syndrome. Identifiers: Orphanet 140162, MedGen C0027672, MeSH D009386, MONDO:0015356.

Allele frequency attached by ClinVar (database versions not stated): gnomAD exomes below 0.00001.

Submissions (2):

Myriad Genetics, Inc.
Classification: Benign for Prostate cancer, hereditary, 9. Last evaluated: 2024-10-30. Review status: criteria provided, single submitter. Criteria: Myriad Autosomal Dominant, Autosomal Recessive and X-Linked Classification Criteria (2023). Collection method: clinical testing. Allele origin: unknown.
Comment: This variant is considered benign. This variant is a silent/synonymous amino acid change and it is not expected to impact splicing.

Ambry Genetics
Classification: Likely benign for Hereditary cancer-predisposing syndrome. Last evaluated: 2022-05-04. Review status: criteria provided, single submitter. Criteria: Ambry Variant Classification Scheme 2023. Collection method: clinical testing. Allele origin: germline.

NM_006361.6(HOXB13):c.487C>T (p.Leu163=)

Gene: HOXB13 (homeobox B13; minus strand). Cytogenetic location: 17q21.32.
Variant type: single nucleotide variant.
Coding change: c.487C>T on transcript NM_006361.6 (MANE Select); coding-DNA position 487, C replaced by T.
Protein change: p.Leu163=; no amino-acid change (leucine 163 retained).
Molecular consequence: synonymous variant.
Genome position (GRCh38, 1-based): chr17:48,728,107, G>A on the plus strand (C>T on the coding strand, the complement: HOXB13 is on the minus strand). VCF-style: chr17-48728107-G-A. GRCh37 (hg19) VCF-style: chr17-46805469-G-A.
Identifiers: ClinVar variation 1743765 (VCV001743765.3), dbSNP rs1597934044, ClinGen allele CA500660863.